The following is an entry in ClinVar:

NC_000017.11:g.(?_74309243)_(74310173_?)dup

Gene: DNAI2 (dynein axonemal intermediate chain 2; plus strand). Cytogenetic location: 17q25.1.
Variant type: Duplication.
Identifiers: ClinVar variation 831922 (VCV000831922.3).

ClinVar aggregate classification (germline): Likely pathogenic (1 of 4 stars; one submission).

Conditions:
Primary ciliary dyskinesia. Also called: Ciliary dyskinesia. Identifiers: Orphanet 244, MedGen C0008780, MONDO:0016575, HP:0012265.

Submission:

Labcorp Genetics (formerly Invitae), Labcorp
Classification: Likely pathogenic for Primary ciliary dyskinesia. Last evaluated: 2019-10-02. Review status: criteria provided, single submitter. Criteria: Invitae Variant Classification Sherloc (09022015). Collection method: clinical testing. Allele origin: germline.
Comment: In summary, the currently available evidence indicates that the variant is pathogenic, but additional data are needed to prove that conclusively. Therefore, this variant has been classified as Likely Pathogenic. Loss-of-function variants in DNAI2 are known to be pathogenic (PMID: 18950741). This variant has not been reported in the literature in individuals with DNAI2-related conditions. This variant results in a copy number gain of the genomic region encompassing exons 10-11 of the DNAI2 gene. While the exact position of this variant cannot be determined from this data, sub-genic copy number gains are generally in tandem (PMID: 25640679) and may result in an absent or disrupted protein product.

Literature cited by the submitters: PubMed 18950741; PubMed 25640679.